The following is an entry in ClinVar:

ClinVar aggregate classification (germline): Uncertain significance. Review status: criteria provided, single submitter (1 of 4 stars). 2 submissions from 2 submitters: Uncertain significance (1). 1 of the submissions does not count toward it. Last evaluated 2018-10-19.

Conditions:
Intellectual disability. Also called: intellectual disabilities; Intellectual developmental disorder; Intellectual functioning disability. Identifiers: MedGen C3714756, MeSH D008607, MONDO:0001071, HP:0001249.

Submissions (2):

GeneDx
Classification: Uncertain significance. Last evaluated: 2018-10-19. Review status: criteria provided, single submitter. Criteria: GeneDx Variant Classification Process June 2021. Collection method: clinical testing. Allele origin: germline. Affected: yes.
Comment: Not observed in large population cohorts (Lek et al., 2016); In silico analysis, which includes protein predictors and evolutionary conservation, supports a deleterious effect; Has not been previously published as pathogenic or benign to our knowledge

Centre de Biologie Pathologie Génétique, Centre Hospitalier Universitaire de Lille
Classification: Likely benign for Intellectual disability. Last evaluated: 2019-01-01. Review status: no assertion criteria provided. Collection method: clinical testing. Allele origin: inherited. Affected: yes. Not counted in ClinVar's aggregate classification.

NM_001190274.2(FBXO11):c.2120A>G (p.Asn707Ser)

Gene: FBXO11 (F-box protein 11; minus strand). Cytogenetic location: 2p16.3.
Variant type: single nucleotide variant.
Coding change: c.2120A>G on transcript NM_001190274.2 (MANE Select); coding-DNA position 2120, A replaced by G.
Protein change: p.Asn707Ser; replaces asparagine 707 with serine.
Molecular consequence: missense variant.
Genome position (GRCh38, 1-based): chr2:47,813,341, T>C on the plus strand (A>G on the coding strand, the complement: FBXO11 is on the minus strand). VCF-style: chr2-47813341-T-C. GRCh37 (hg19) VCF-style: chr2-48040480-T-C.
Other names: c.1868A>G, p.Asn623Ser (NM_001374325.1, NM_025133.4); short protein forms N623S, N707S.
Identifiers: ClinVar variation 975695 (VCV000975695.3), dbSNP rs1670752914, ClinGen allele CA346763399.